The following is an entry in ClinVar:

ClinVar aggregate classification (germline): Likely benign (1 of 4 stars; one submission).

Allele frequency attached by ClinVar (database versions not stated): 1000 Genomes Project 30x 0.00047; ExAC 0.00054; 1000 Genomes Project 0.00060; ESP Exome Variant Server 0.00088; TOPMed 0.00124; gnomAD 0.00142; gnomAD exomes 0.00259.
gnomAD v4.1: 3,756 of 1,549,910 alleles (0.24%); highest among the groups gnomAD compares: Non-Finnish European, 0.31%; 13 homozygotes.

Submission:

CeGaT Center for Human Genetics Tuebingen
Classification: Likely benign. Last evaluated: 2022-04-01. Review status: criteria provided, single submitter. Criteria: CeGaT Center For Human Genetics Tuebingen Variant Classification Criteria Version 2. Collection method: clinical testing. Allele origin: germline. Affected: yes. Observed: 1 variant allele.
Comment: CWF19L2: BP4, BP7

NM_152434.3(CWF19L2):c.429A>G (p.Lys143=)

Gene: CWF19L2 (CWF19 like cell cycle control factor 2; minus strand). Cytogenetic location: 11q22.3.
Variant type: single nucleotide variant.
Coding change: c.429A>G on transcript NM_152434.3 (MANE Select); coding-DNA position 429, A replaced by G.
Protein change: p.Lys143=; no amino-acid change (lysine 143 retained).
Molecular consequence: synonymous variant.
Genome position (GRCh38, 1-based): chr11:107,442,960, T>C on the plus strand (A>G on the coding strand, the complement: CWF19L2 is on the minus strand). VCF-style: chr11-107442960-T-C. GRCh37 (hg19) VCF-style: chr11-107313686-T-C.
Identifiers: ClinVar variation 2642348 (VCV002642348.24), dbSNP rs140032384, ClinGen allele CA6260924.